The following is an entry in ClinVar:

ClinVar aggregate classification (germline): Uncertain significance. Review status: criteria provided, single submitter (1 of 4 stars). 2 submissions from 2 submitters: Uncertain significance (1). 1 of the submissions does not count toward it. Last evaluated 2023-04-07.

Conditions:
BBS2-related disorder. Also called: BBS2-related disorders; BBS2-related condition. Identifiers: MedGen CN239228.
Inborn genetic diseases. Identifiers: MedGen C0950123, MeSH D030342.

Allele frequency attached by ClinVar (database versions not stated): TOPMed 0.00001.

Submissions (2):

Ambry Genetics
Classification: Uncertain significance for Inborn genetic diseases. Last evaluated: 2023-04-07. Review status: criteria provided, single submitter. Criteria: Ambry Variant Classification Scheme 2023. Collection method: clinical testing. Allele origin: germline.

PreventionGenetics, part of Exact Sciences
Classification: Uncertain significance for BBS2-related condition. Last evaluated: 2024-05-25. Review status: no assertion criteria provided. Collection method: clinical testing. Allele origin: germline. Not counted in ClinVar's aggregate classification.
Comment: The BBS2 c.1214C>G variant is predicted to result in the amino acid substitution p.Ser405Cys. To our knowledge, this variant has not been reported in the literature or in a large population database, indicating this variant is rare. At this time, the clinical significance of this variant is uncertain due to the absence of conclusive functional and genetic evidence.

NM_031885.5(BBS2):c.1214C>G (p.Ser405Cys)

Gene: BBS2 (Bardet-Biedl syndrome 2; minus strand). Cytogenetic location: 16q13.
Variant type: single nucleotide variant.
Coding change: c.1214C>G on transcript NM_031885.5 (MANE Select); coding-DNA position 1214, C replaced by G.
Protein change: p.Ser405Cys; replaces serine 405 with cysteine.
Molecular consequence: missense variant. On other transcripts: non-coding transcript variant (5).
Genome position (GRCh38, 1-based): chr16:56,501,364, G>C on the plus strand (C>G on the coding strand, the complement: BBS2 is on the minus strand). VCF-style: chr16-56501364-G-C. GRCh37 (hg19) VCF-style: chr16-56535276-G-C.
Other names: c.1214C>G, p.Ser405Cys (NM_001377456.1); short protein forms S405C.
Identifiers: ClinVar variation 2535317 (VCV002535317.3), dbSNP rs1355204201, ClinGen allele CA395979843.